The following is an entry in ClinVar:

NM_003611.3(OFD1):c.920T>G (p.Val307Gly)

Gene: OFD1 (OFD1 centriole and centriolar satellite protein; plus strand). Cytogenetic location: Xp22.2.
Variant type: single nucleotide variant.
Coding change: c.920T>G on transcript NM_003611.3 (MANE Select); coding-DNA position 920, T replaced by G.
Protein change: p.Val307Gly; replaces valine 307 with glycine.
Molecular consequence: missense variant.
Genome position (GRCh38, 1-based): chrX:13,749,518, T>G. VCF-style: chrX-13749518-T-G. GRCh37 (hg19) VCF-style: chrX-13767637-T-G.
Other names: c.920T>G, p.Val307Gly (NM_001330209.2); c.500T>G, p.Val167Gly (NM_001330210.2); short protein forms V167G, V307G.
Identifiers: ClinVar variation 2011484 (VCV002011484.4), dbSNP rs2518857809, ClinGen allele CA412339073.

ClinVar aggregate classification (germline): Uncertain significance (1 of 4 stars; one submission).

Conditions:
Joubert syndrome. Also called: CEREBELLOPARENCHYMAL DISORDER IV; JOUBERT-BOLTSHAUSER SYNDROME; Familial aplasia of the vermis. Identifiers: Orphanet 475, MedGen C5979921, MONDO:0018772.
Orofaciodigital syndrome I (OFD1). Also called: OFDS I; Papillon-Leage and Psaume Syndrome; Oral-Facial-Digital Syndrome Type I. Identifiers: Orphanet 2750, MedGen C1510460, MONDO:0010702, OMIM 311200.

Submission:

Labcorp Genetics (formerly Invitae), Labcorp
Classification: Uncertain significance for Orofaciodigital syndrome I; Joubert syndrome. Last evaluated: 2022-08-03. Review status: criteria provided, single submitter. Criteria: Invitae Variant Classification Sherloc (09022015). Collection method: clinical testing. Allele origin: germline.
Comment: In summary, the available evidence is currently insufficient to determine the role of this variant in disease. Therefore, it has been classified as a Variant of Uncertain Significance. Algorithms developed to predict the effect of sequence changes on RNA splicing suggest that this variant may create or strengthen a splice site. Algorithms developed to predict the effect of missense changes on protein structure and function are either unavailable or do not agree on the potential impact of this missense change (SIFT: "Deleterious"; PolyPhen-2: "Benign"; Align-GVGD: "Class C35"). This variant has not been reported in the literature in individuals affected with OFD1-related conditions. This variant is not present in population databases (gnomAD no frequency). This sequence change replaces valine, which is neutral and non-polar, with glycine, which is neutral and non-polar, at codon 307 of the OFD1 protein (p.Val307Gly).